The following is an entry in ClinVar:

ClinVar aggregate classification (germline): Uncertain significance. Review status: criteria provided, multiple submitters, no conflicts (2 of 4 stars). 6 submissions from 6 submitters: Uncertain significance (5). 1 of the submissions does not count toward it. Last evaluated 2024-06-25.

Conditions:
Hereditary hyperinsulinism.
Type 2 diabetes mellitus. Also called: Type II diabetes mellitus. Identifiers: MedGen C0011860, MeSH D003924, MONDO:0005148, OMIM 125853, HP:0005978.
Diabetes mellitus, permanent neonatal 3. Also called: ABCC8-Related Permanent Neonatal Diabetes Mellitus. Identifiers: MedGen C5394303, MONDO:0030088, OMIM 618857.
Hyperinsulinemic hypoglycemia, familial, 1 (HHF1). Also called: Persistent Hyperinsulinemia Hypoglycemia of Infancy; Persistent hyperinsulinemic hypoglycemia of infancy; HYPERINSULINISM, FAMILIAL, WITH PANCREATIC NESIDIOBLASTOSIS; HYPOGLYCEMIA, HYPERINSULINEMIC, OF INFANCY; NESIDIOBLASTOSIS OF PANCREAS. Identifiers: Orphanet 276575, Orphanet 276598, MedGen C2931832, MONDO:0009734, OMIM 256450.
Leucine-induced hypoglycemia (LIH). Also called: LEUCINE-SENSITIVE HYPOGLYCEMIA OF INFANCY. Identifiers: MedGen C0271714, MONDO:0009415, OMIM 240800.
Diabetes mellitus, transient neonatal, 2 (TNDM2). Identifiers: Orphanet 99886, MedGen C1835887, MONDO:0012480, OMIM 610374. Disease mechanism: loss of function.
Monogenic diabetes. Identifiers: Orphanet 183625, MedGen C3888631, MONDO:0015967.

Allele frequency attached by ClinVar (database versions not stated): ESP Exome Variant Server 0.00008; ExAC 0.00001; gnomAD 0.00001; gnomAD exomes 0.00001; TOPMed 0.00003.
gnomAD v4.1: 11 of 1,612,844 alleles (0.00068%); highest among the groups gnomAD compares: South Asian, 0.0022%; no homozygotes.

Submissions (6):

Fulgent Genetics
Classification: Uncertain significance for Type 2 diabetes mellitus; Leucine-induced hypoglycemia; Hyperinsulinemic hypoglycemia, familial, 1; Diabetes mellitus, transient neonatal, 2; Diabetes mellitus, permanent neonatal 3. Last evaluated: 2024-06-25. Review status: criteria provided, single submitter. Criteria: ACMG Guidelines, 2015. Collection method: clinical testing. Allele origin: germline.

Myriad Genetics, Inc.
Classification: Uncertain significance for Hyperinsulinemic hypoglycemia, familial, 1. Last evaluated: 2021-11-16. Review status: criteria provided, single submitter. Criteria: Myriad Women's Health Autosomal Recessive and X-Linked Classification Criteria (2021). Collection method: clinical testing. Allele origin: unknown.
Comment: NM_000352.3(ABCC8):c.886G>A(G296R) is a missense variant classified as a variant of uncertain significance in the context of familial hyperinsulinism, ABCC8-related. G296R has been observed in cases with relevant disease (PMID: 22562119, 26839896). Functional assessments of this variant are available in the literature (PMID: 22562119). G296R has been observed in population frequency databases (gnomAD: AFR 0.004%). In summary, there is insufficient evidence to classify NM_000352.3(ABCC8):c.886G>A(G296R) as pathogenic or benign. Please note: this variant was assessed in the context of healthy population screening.

Blueprint Genetics
Classification: Uncertain significance. Last evaluated: 2021-10-21. Review status: criteria provided, single submitter. Criteria: ACMG Guidelines, 2015. Collection method: clinical testing. Allele origin: germline.

Broad Center for Mendelian Genomics, Broad Institute of MIT and Harvard
Classification: Uncertain significance for Monogenic diabetes. Last evaluated: 2020-01-22. Review status: criteria provided, single submitter. Criteria: ACMG Guidelines, 2015. Collection method: curation. Allele origin: germline. Inheritance: Autosomal dominant inheritance.
Comment: The p.Gly296Arg variant in ABCC8 has been reported in 1 Chinese and 1 Pakistan individuals, in the heterozygous or compound heterozygous state, with Monogenic Diabetes (PMID: 22562119, 26839896), and has been identified in 0.004013% (1/24920) of African chromosomes, 0.003267% (1/30610) of South Asian chromosomes, and 0.001555% (2/128636) of European (non-Finnish) chromosomes by the Genome Aggregation Database (gnomAD; dbSNP rs148529020). Although this variant has been seen in the general population, its frequency is low enough to be consistent with a carrier frequency. Please note that for diseases with clinical variability, or reduced penetrance, pathogenic variants may be present at a low frequency in the general population. This variant has also been reported as a VUS and a likely pathogenic variant in ClinVar (Variation ID: 35624). In vitro functional studies provide some evidence that the p.Gly296Arg variant may slightly increase protein activity (PMID: 22562119). However, these types of assays may not accurately represent biological function. Computational prediction tools and conservation analyses suggest that this variant may impact the protein, though this information is not predictive enough to determine pathogenicity. This variant is located in the L0 domain, which has been associated with changes in the K-ATP channel of the protein and diabetes (PMID: 22562119). In summary, while there is some suspicion for a pathogenic role, the clinical significance of this variant is uncertain. ACMG/AMP Criteria applied: PM2_Supporting, PP3, PS3_Supporting, PM1_Supporting (Richards 2015).

Women's Health and Genetics/Laboratory Corporation of America, LabCorp
Classification: Uncertain significance. Last evaluated: 2019-02-02. Review status: criteria provided, single submitter. Criteria: LabCorp Variant Classification Summary - May 2015. Collection method: clinical testing. Allele origin: germline.
Comment: Variant summary: The variant, ABCC8 c.886G>A (p.Gly296Arg) results in a non-conservative amino acid change in the encoded protein sequence. Four of five in-silico tools predict a damaging effect of the variant on protein function. The variant allele was found at a frequency of 1.4e-05 in 277752 control chromosomes (gnomAD). The available data on variant occurrences in the general population are insufficient to allow any conclusion about variant significance. The variant, c.886G>A has been reported in the literature in individuals affected with Neonatal Diabetes Mellitus/diabetes mellitus of infancy (Cao_2016, Lin_2012). At-least one of these reports included an individual with Transient Neonatal Diabetes Mellitus (subtype T, Cao_2016) in whom the variant was inherited from the mother whose clinical status was not provided. These reports do not provide unequivocal conclusions about association of the variant with the disease. The variant was found to be causative to NDM in a compound heterozygous state (Lin_2012). The authors reported a recessive contribution of this variant in compound heterozygosity as manifesting in increased K-ATP channel conductance. At least one publication reports experimental evidence evaluating an impact on protein function (Lin_2012), however, this does not allow convincing conclusions about the variant effect under the presumed autosomal dominant mode of inheritance of NDM due to gain of function mutations in ABCC8. One clinical diagnostic laboratory has submitted clinical-significance assessments for this variant to ClinVar after 2014 without evidence for independent evaluation and classified the variant as uncertain significance. This variant was previously classified as a VUS-possibly pathogenic variant that was converted during ClinVar submission to likely pathogenic in 2011. As summarized above, at-least three new reports indicating its presence in individuals diagnosed with NDM or a related diabetic phenotype have emerged since its original classification. Based on the evidence outlined above, until additional functional impact and unequivocal co-segregation with disease in additional families/individuals with NDM is obtainedthe variant was classified as uncertain significance.

Natera, Inc.
Classification: Uncertain significance for Hereditary hyperinsulinism. Last evaluated: 2020-09-16. Review status: no assertion criteria provided. Collection method: clinical testing. Allele origin: germline. Not counted in ClinVar's aggregate classification.

Literature cited by the submitters: PubMed 22562119 (cited by 3 submitters); PubMed 26839896 (cited by Myriad Genetics, Inc. and Women's Health and Genetics/Laboratory Corporation of America, LabCorp); PubMed 29207974 (cited by Women's Health and Genetics/Laboratory Corporation of America, LabCorp).

NM_000352.6(ABCC8):c.886G>A (p.Gly296Arg)

Gene: ABCC8 (ATP binding cassette subfamily C member 8; minus strand). Cytogenetic location: 11p15.1.
Variant type: single nucleotide variant.
Coding change: c.886G>A on transcript NM_000352.6 (MANE Select); coding-DNA position 886, G replaced by A.
Protein change: p.Gly296Arg; replaces glycine 296 with arginine.
Molecular consequence: missense variant. On other transcripts: non-coding transcript variant (1).
Genome position (GRCh38, 1-based): chr11:17,460,613, C>T on the plus strand (G>A on the coding strand, the complement: ABCC8 is on the minus strand). VCF-style: chr11-17460613-C-T. GRCh37 (hg19) VCF-style: chr11-17482160-C-T.
Other names: c.886G>A, p.Gly296Arg (NM_001287174.3, NM_001351295.2); c.883G>A, p.Gly295Arg (NM_001351296.2, NM_001351297.2); short protein forms G296R, G295R.
Identifiers: ClinVar variation 35624 (VCV000035624.12), dbSNP rs148529020, ClinGen allele CA213473.